The following is an entry in ClinVar:

NM_007247.6(SYNRG):c.1716T>A (p.Asp572Glu)

Gene: SYNRG (synergin gamma; minus strand). Cytogenetic location: 17q12.
Variant type: single nucleotide variant.
Coding change: c.1716T>A on transcript NM_007247.6 (MANE Select); coding-DNA position 1716, T replaced by A.
Protein change: p.Asp572Glu; replaces aspartic acid 572 with glutamic acid.
Molecular consequence: missense variant.
Genome position (GRCh38, 1-based): chr17:37,554,007, A>T on the plus strand (T>A on the coding strand, the complement: SYNRG is on the minus strand). VCF-style: chr17-37554007-A-T. GRCh37 (hg19) VCF-style: chr17-35914109-A-T.
Other names: c.1482T>A, p.Asp494Glu (NM_001163544.3, NM_001163546.3, NM_080550.5 and 1 more transcripts); c.1479T>A, p.Asp493Glu (NM_001163545.3); c.1233T>A, p.Asp411Glu (NM_001163547.3); c.2019T>A, p.Asp673Glu (NM_001405103.1); c.852T>A, p.Asp284Glu (NM_080551.1); short protein forms D284E, D411E, D493E, D494E, D572E, D673E.
Identifiers: ClinVar variation 3061586 (VCV003061586.2), dbSNP rs2508886906, ClinGen allele CA398767527.
Genomic context (GRCh38, chr17:37,554,007, plus strand): 5'-TGGAAAAGTTTTGTCTTTTGTTGGTGGCTCTAGTGGTGATACACTATCGGCTGTTTTAAA[A>T]TCGGTGAAACCATCATCAGTTCCTGCAGATCTGAATTCTGCAAAGCTTTCTCCTGAAAGA-3'
Protein context (NP_009178.3, residues 562-582): RSAGTDDGFT[Asp572Glu]FKTADSVSPL

ClinVar aggregate classification (germline): Uncertain significance (0 of 4 stars; one submission).

Conditions:
SYNRG-related disorder. Also called: SYNRG-related condition.

Allele frequency attached by ClinVar (database versions not stated): gnomAD exomes below 0.00001.
gnomAD v4.1: 1 of 1,607,522 alleles (0.000062%); highest among the groups gnomAD compares: Non-Finnish European, 0.000085%; no homozygotes.

Submission:

PreventionGenetics, part of Exact Sciences
Classification: Uncertain significance for SYNRG-related condition. Last evaluated: 2024-02-01. Review status: no assertion criteria provided. Collection method: clinical testing. Allele origin: germline.
Comment: The SYNRG c.1716T>A variant is predicted to result in the amino acid substitution p.Asp572Glu. To our knowledge, this variant has not been reported in the literature or in a large population database, indicating this variant is rare. At this time, the clinical significance of this variant is uncertain due to the absence of conclusive functional and genetic evidence.